The following is an entry in ClinVar:

ClinVar aggregate classification (germline): Uncertain significance (1 of 4 stars; one submission).

Submission:

Labcorp Genetics (formerly Invitae), Labcorp
Classification: Uncertain significance. Last evaluated: 2023-10-30. Review status: criteria provided, single submitter. Criteria: Invitae Variant Classification Sherloc (09022015). Collection method: clinical testing. Allele origin: germline.
Comment: This sequence change replaces tryptophan, which is neutral and slightly polar, with glycine, which is neutral and non-polar, at codon 95 of the MRPS34 protein (p.Trp95Gly). This variant is not present in population databases (gnomAD no frequency). This variant has not been reported in the literature in individuals affected with MRPS34-related conditions. An algorithm developed to predict the effect of missense changes on protein structure and function (PolyPhen-2) suggests that this variant is likely to be disruptive. In summary, the available evidence is currently insufficient to determine the role of this variant in disease. Therefore, it has been classified as a Variant of Uncertain Significance.

NM_023936.2(MRPS34):c.283T>G (p.Trp95Gly)

Genes: EME2 (essential meiotic structure-specific endonuclease subunit 2; plus strand), MRPS34 (mitochondrial ribosomal protein S34; minus strand), LOC130058183 (ATAC-STARR-seq lymphoblastoid silent region 7002; plus strand). Cytogenetic location: 16p13.3.
Variant type: single nucleotide variant.
Coding change: c.283T>G on transcript NM_023936.2 (MANE Select); coding-DNA position 283, T replaced by G.
Protein change: p.Trp95Gly; replaces tryptophan 95 with glycine.
Molecular consequence: missense variant. On other transcripts: 5 prime UTR variant (1).
Genome position (GRCh38, 1-based): chr16:1,772,837, A>C on the plus strand (T>G on the coding strand, the complement: MRPS34 is on the minus strand). VCF-style: chr16-1772837-A-C. GRCh37 (hg19) VCF-style: chr16-1822838-A-C.
Other names: c.-391A>C (NM_001257370.2); c.283T>G, p.Trp95Gly (NM_001300900.2); short protein forms W95G.
Identifiers: ClinVar variation 2773038 (VCV002773038.3), dbSNP rs2548134280, ClinGen allele CA394243867.